The following is an entry in ClinVar:

ClinVar aggregate classification (germline): Uncertain significance (1 of 4 stars; one submission).

Conditions:
Cardiovascular phenotype. Identifiers: MedGen CN230736.

Submission:

Ambry Genetics
Classification: Uncertain significance for Cardiovascular phenotype. Last evaluated: 2025-01-05. Review status: criteria provided, single submitter. Criteria: Ambry Variant Classification Scheme 2023. Collection method: clinical testing. Allele origin: germline.
Comment: The p.D274N variant (also known as c.820G>A), located in coding exon 7 of the SPRED1 gene, results from a G to A substitution at nucleotide position 820. The aspartic acid at codon 274 is replaced by asparagine, an amino acid with highly similar properties. This amino acid position is conserved. In addition, this alteration is predicted to be tolerated by in silico analysis. Based on the available evidence, the clinical significance of this variant remains unclear.

NM_152594.3(SPRED1):c.820G>A (p.Asp274Asn)

Gene: SPRED1 (sprouty related EVH1 domain containing 1; plus strand). Cytogenetic location: 15q14.
Variant type: single nucleotide variant.
Coding change: c.820G>A on transcript NM_152594.3 (MANE Select); coding-DNA position 820, G replaced by A.
Protein change: p.Asp274Asn; replaces aspartic acid 274 with asparagine.
Molecular consequence: missense variant.
Genome position (GRCh38, 1-based): chr15:38,351,149, G>A. VCF-style: chr15-38351149-G-A. GRCh37 (hg19) VCF-style: chr15-38643350-G-A.
Other names: short protein forms D274N.
Identifiers: ClinVar variation 3800898 (VCV003800898.1).